The following is an entry in ClinVar:

ClinVar aggregate classification (germline): Uncertain significance (1 of 4 stars; one submission).

Conditions:
Cardiac arrhythmia. Also called: Arrhythmia; Cardiac rhythm disease. Identifiers: MedGen C0003811, MONDO:0007263, HP:0011675.

Submission:

Color Diagnostics, LLC DBA Color Health
Classification: Uncertain significance for Cardiac arrhythmia. Last evaluated: 2024-03-06. Review status: criteria provided, single submitter. Criteria: ACMG Guidelines, 2015. Collection method: clinical testing. Allele origin: germline.
Comment: This missense variant replaces glutamic acid with lysine at codon 904 of the KCNH2 protein. Computational prediction is inconclusive regarding the impact of this variant on protein structure and function (internally defined REVEL score threshold 0.5 < inconclusive < 0.7, PMID: 27666373). To our knowledge, functional studies have not been reported for this variant. This variant has not been reported in individuals affected with cardiovascular disorders in the literature. This variant has not been identified in the general population by the Genome Aggregation Database (gnomAD). The available evidence is insufficient to determine the role of this variant in disease conclusively. Therefore, this variant is classified as a Variant of Uncertain Significance.

NM_000238.4(KCNH2):c.2710G>A (p.Glu904Lys)

Gene: KCNH2 (potassium voltage-gated channel subfamily H member 2; minus strand). Cytogenetic location: 7q36.1.
Variant type: single nucleotide variant.
Coding change: c.2710G>A on transcript NM_000238.4 (MANE Select); coding-DNA position 2710, G replaced by A.
Protein change: p.Glu904Lys; replaces glutamic acid 904 with lysine.
Molecular consequence: missense variant.
Genome position (GRCh38, 1-based): chr7:150,947,861, C>T on the plus strand (G>A on the coding strand, the complement: KCNH2 is on the minus strand). VCF-style: chr7-150947861-C-T. GRCh37 (hg19) VCF-style: chr7-150644949-C-T.
Other names: c.1690G>A, p.Glu564Lys (NM_172057.3); short protein forms E564K, E904K.
Identifiers: ClinVar variation 1171262 (VCV001171262.5), dbSNP rs1800975334, ClinGen allele CA369853540.